The following is an entry in ClinVar:

NM_025114.4(CEP290):c.6069A>G (p.Arg2023=)

Gene: CEP290 (centrosomal protein 290; minus strand). Cytogenetic location: 12q21.32.
Variant type: single nucleotide variant.
Coding change: c.6069A>G on transcript NM_025114.4 (MANE Select); coding-DNA position 6069, A replaced by G.
Protein change: p.Arg2023=; no amino-acid change (arginine 2023 retained).
Molecular consequence: synonymous variant.
Genome position (GRCh38, 1-based): chr12:88,068,588, T>C on the plus strand (A>G on the coding strand, the complement: CEP290 is on the minus strand). VCF-style: chr12-88068588-T-C. GRCh37 (hg19) VCF-style: chr12-88462365-T-C.
Other names: c.6069A>G (NM_025114.3).
Identifiers: ClinVar variation 1441024 (VCV001441024.8), dbSNP rs772038500, ClinGen allele CA6711583.

ClinVar aggregate classification (germline): Likely benign. Review status: criteria provided, multiple submitters, no conflicts (2 of 4 stars). 3 submissions from 3 submitters: Likely benign (2). 1 of the submissions does not count toward it. Last evaluated 2026-01-19.

Conditions:
CEP290-related disorder. Also called: CEP290-related condition; CEP290-related disorders. Identifiers: MedGen CN239314.
Meckel-Gruber syndrome. Also called: DYSENCEPHALIA SPLANCHNOCYSTICA; GRUBER SYNDROME; Dysencephalia splachnocystica. Identifiers: Orphanet 564, MedGen C0265215, MONDO:0018921.
Nephronophthisis. Also called: Juvenile Nephronophthisis. Identifiers: Orphanet 655, MedGen C0687120, MONDO:0019005, HP:0000090.
Joubert syndrome. Also called: Familial aplasia of the vermis; JOUBERT-BOLTSHAUSER SYNDROME. Identifiers: Orphanet 475, MedGen C5979921, MONDO:0018772.

Allele frequency attached by ClinVar (database versions not stated): gnomAD exomes below 0.00001 and 0.00002; ExAC 0.00001; TOPMed 0.00001.
gnomAD v4.1: 6 of 1,590,604 alleles (0.00038%); highest among the groups gnomAD compares: Admixed American, 0.009%; no homozygotes.

Submissions (3):

Labcorp Genetics (formerly Invitae), Labcorp
Classification: Likely benign for Joubert syndrome; Meckel-Gruber syndrome; Nephronophthisis. Last evaluated: 2026-01-19. Review status: criteria provided, single submitter. Criteria: Invitae Variant Classification Sherloc (09022015). Collection method: clinical testing. Allele origin: germline.

Blueprint Genetics
Classification: Likely benign. Last evaluated: 2023-03-22. Review status: criteria provided, single submitter. Criteria: ACMG Guidelines, 2015. Collection method: clinical testing. Allele origin: germline.

PreventionGenetics, part of Exact Sciences
Classification: Likely benign for CEP290-related condition. Last evaluated: 2024-02-02. Review status: no assertion criteria provided. Collection method: clinical testing. Allele origin: germline. Not counted in ClinVar's aggregate classification.
Comment: This variant is classified as likely benign based on ACMG/AMP sequence variant interpretation guidelines (Richards et al. 2015 PMID: 25741868, with internal and published modifications).